The following is an entry in ClinVar:

NM_003036.4(SKI):c.1050dup (p.Lys351fs)

Gene: SKI (SKI proto-oncogene; plus strand). Cytogenetic location: 1p36.32.
Variant type: Duplication.
Coding change: c.1050dup on transcript NM_003036.4 (MANE Select); coding-DNA position 1050, one base duplicated (C; older notation c.1050dupC).
Protein change: p.Lys351fs; shifts the reading frame from lysine 351.
Molecular consequence: frameshift variant.
Genome position (GRCh38, 1-based): chr1:2,303,058, C duplicated. VCF-style (leftmost placement, unchanged base first): chr1-2303057-A-AC. GRCh37 (hg19) VCF-style: chr1-2234496-A-AC.
Other names: short protein forms K351fs.
Identifiers: ClinVar variation 3776417 (VCV003776417.1).

ClinVar aggregate classification (germline): Uncertain significance (1 of 4 stars; one submission).

Submission:

GeneDx
Classification: Uncertain significance. Last evaluated: 2024-10-03. Review status: criteria provided, single submitter. Criteria: GeneDx Variant Classification Process June 2021. Collection method: clinical testing. Allele origin: germline. Affected: yes.
Comment: Frameshift variant predicted to result in protein truncation or nonsense mediated decay in a gene or region of a gene for which loss of function is not a well-established mechanism of disease; Not observed at significant frequency in large population cohorts (gnomAD); Has not been previously published as pathogenic or benign to our knowledge